The following is an entry in ClinVar:

NM_001206999.2(CIT):c.2898A>G (p.Ala966=)

Gene: CIT (citron rho-interacting serine/threonine kinase; minus strand). Cytogenetic location: 12q24.23.
Variant type: single nucleotide variant.
Coding change: c.2898A>G on transcript NM_001206999.2 (MANE Select); coding-DNA position 2898, A replaced by G.
Protein change: p.Ala966=; no amino-acid change (alanine 966 retained).
Molecular consequence: synonymous variant.
Genome position (GRCh38, 1-based): chr12:119,752,056, T>C on the plus strand (A>G on the coding strand, the complement: CIT is on the minus strand). VCF-style: chr12-119752056-T-C. GRCh37 (hg19) VCF-style: chr12-120189861-T-C.
Other names: c.2772A>G, p.Ala924= (NM_007174.3).
Identifiers: ClinVar variation 747103 (VCV000747103.19), dbSNP rs375607396, ClinGen allele CA6821659.

ClinVar aggregate classification (germline): Likely benign. Review status: criteria provided, multiple submitters, no conflicts (2 of 4 stars). 2 submissions from 2 submitters: Likely benign (2). Last evaluated 2025-08-16.

Allele frequency attached by ClinVar (database versions not stated): gnomAD exomes 0.00010 and 0.00012; gnomAD 0.00011 and 0.00012; ExAC 0.00012; TOPMed 0.00014; ESP Exome Variant Server 0.00015.
gnomAD v4.1: 189 of 1,611,480 alleles (0.012%); highest among the groups gnomAD compares: Middle Eastern, 0.065%; no homozygotes.

Submissions (2):

Labcorp Genetics (formerly Invitae), Labcorp
Classification: Likely benign. Last evaluated: 2025-08-16. Review status: criteria provided, single submitter. Criteria: Invitae Variant Classification Sherloc (09022015). Collection method: clinical testing. Allele origin: germline.

CeGaT Center for Human Genetics Tuebingen
Classification: Likely benign. Last evaluated: 2024-12-01. Review status: criteria provided, single submitter. Criteria: CeGaT Center For Human Genetics Tuebingen Variant Classification Criteria Version 2. Collection method: clinical testing. Allele origin: germline. Affected: yes. Observed: 1 variant allele.
Comment: CIT: BP4, BP7